The following is an entry in ClinVar:

ClinVar aggregate classification (germline): Uncertain significance (1 of 4 stars; one submission).

Conditions:
Arrhythmogenic right ventricular dysplasia 5. Also called: Arrhythmogenic Right Ventricular Dysplasia/Cardiomyopathy 5; ARRHYTHMOGENIC RIGHT VENTRICULAR DYSPLASIA, FAMILIAL, 5. Identifiers: MedGen C1858379, MONDO:0011459, OMIM 604400.

Submission:

All of Us Research Program, National Institutes of Health
Classification: Uncertain significance for Arrhythmogenic right ventricular dysplasia 5. Last evaluated: 2023-08-28. Review status: criteria provided, single submitter. Criteria: ACMG Guidelines, 2015. Collection method: clinical testing. Allele origin: germline. Inheritance: Autosomal dominant inheritance. Observed: 1 variant allele, 1 heterozygote.
Comment: This variant deletes 1 nucleotide in exon 12 of the TMEM43 gene, creating a frameshift and premature translation stop signal in the last exon. The mutant transcript is expected to escape nonsense-mediated decay and be expressed as a product containing altered C-terminal sequence. To our knowledge, this variant has not been reported in individuals affected with cardiovascular disorders in the literature. This variant has not been identified in the general population by the Genome Aggregation Database (gnomAD). The available evidence is insufficient to determine the role of this variant in disease conclusively. Therefore, this variant is classified as a Variant of Uncertain Significance.

This study involves interpretation of variants in research participants for the purpose of population health screening. Participant phenotype was not available at the time of variant classification. Additional details can be found in publication PMID: 35346344, PMCID: PMC8962531

NM_024334.3(TMEM43):c.1019del (p.Phe340fs)

Gene: TMEM43 (transmembrane protein 43; plus strand). Cytogenetic location: 3p25.1.
Variant type: Deletion.
Coding change: c.1019del on transcript NM_024334.3 (MANE Select); coding-DNA position 1019, one base deleted (T; older notation c.1019delT).
Protein change: p.Phe340fs; shifts the reading frame from phenylalanine 340.
Molecular consequence: frameshift variant.
Genome position (GRCh38, 1-based): chr3:14,141,611, T deleted; the last of 4 consecutive T bases (chr3:14,141,608-14,141,611); deleting any one gives the same sequence. VCF-style (leftmost placement, unchanged base first): chr3-14141607-GT-G. GRCh37 (hg19) VCF-style: chr3-14183107-GT-G.
Other names: c.1022del, p.Phe341fs (NM_001407274.1); c.1016del, p.Phe339fs (NM_001407275.1, NM_001407276.1); c.1013del, p.Phe338fs (NM_001407277.1); c.1004del, p.Phe335fs (NM_001407278.1); c.944del, p.Phe315fs (NM_001407279.1); c.869del, p.Phe290fs (NM_001407280.1); short protein forms F290fs, F315fs, F335fs, F338fs, F339fs, F340fs, F341fs.
Identifiers: ClinVar variation 3073217 (VCV003073217.1), dbSNP rs2470201042, ClinGen allele CA2825001178.